The following is an entry in ClinVar:

NM_003072.5(SMARCA4):c.3943C>G (p.Leu1315Val)

Gene: SMARCA4 (SWI/SNF related BAF chromatin remodeling complex subunit ATPase 4; plus strand). Cytogenetic location: 19p13.2.
Variant type: single nucleotide variant.
Coding change: c.3943C>G on transcript NM_003072.5 (MANE Select); coding-DNA position 3943, C replaced by G.
Protein change: p.Leu1315Val; replaces leucine 1315 with valine.
Molecular consequence: missense variant. On other transcripts: non-coding transcript variant (1).
Genome position (GRCh38, 1-based): chr19:11,034,192, C>G. VCF-style: chr19-11034192-C-G. GRCh37 (hg19) VCF-style: chr19-11144868-C-G.
Other names: c.3943C>G, p.Leu1315Val (NM_001128844.3, NM_001128849.3); c.3844C>G, p.Leu1282Val (NM_001128845.2, NM_001128846.2, NM_001128847.4 and 2 more transcripts); short protein forms L1315V, L1282V.
Identifiers: ClinVar variation 968357 (VCV000968357.11), dbSNP rs1555785043, ClinGen allele CA404067946.

ClinVar aggregate classification (germline): Uncertain significance. Review status: criteria provided, multiple submitters, no conflicts (2 of 4 stars). 2 submissions from 2 submitters: Uncertain significance (2). Last evaluated 2025-02-19.

Conditions:
Hereditary cancer-predisposing syndrome. Also called: Hereditary neoplastic syndrome; Neoplastic Syndromes, Hereditary; Hereditary Cancer Syndrome; Tumor predisposition. Identifiers: Orphanet 140162, MedGen C0027672, MeSH D009386, MONDO:0015356.
Rhabdoid tumor predisposition syndrome 2 (RTPS2). Identifiers: Orphanet 231108, Orphanet 69077, MedGen C2750074, MONDO:0013224, OMIM 613325.

Submissions (2):

Labcorp Genetics (formerly Invitae), Labcorp
Classification: Uncertain significance for Rhabdoid tumor predisposition syndrome 2. Last evaluated: 2025-02-19. Review status: criteria provided, single submitter. Criteria: Invitae Variant Classification Sherloc (09022015). Collection method: clinical testing. Allele origin: germline.
Comment: This sequence change replaces leucine, which is neutral and non-polar, with valine, which is neutral and non-polar, at codon 1315 of the SMARCA4 protein (p.Leu1315Val). This variant is not present in population databases (gnomAD no frequency). This variant has not been reported in the literature in individuals affected with SMARCA4-related conditions. ClinVar contains an entry for this variant (Variation ID: 968357). Invitae Evidence Modeling of protein sequence and biophysical properties (such as structural, functional, and spatial information, amino acid conservation, physicochemical variation, residue mobility, and thermodynamic stability) has been performed for this missense variant. However, the output from this modeling did not meet the statistical confidence thresholds required to predict the impact of this variant on SMARCA4 protein function. In summary, the available evidence is currently insufficient to determine the role of this variant in disease. Therefore, it has been classified as a Variant of Uncertain Significance.

Ambry Genetics
Classification: Uncertain significance for Hereditary cancer-predisposing syndrome. Last evaluated: 2024-04-05. Review status: criteria provided, single submitter. Criteria: Ambry Variant Classification Scheme 2023. Collection method: clinical testing. Allele origin: germline.
Comment: The p.L1315V variant (also known as c.3943C>G), located in coding exon 27 of the SMARCA4 gene, results from a C to G substitution at nucleotide position 3943. The leucine at codon 1315 is replaced by valine, an amino acid with highly similar properties. This amino acid position is well conserved in available vertebrate species. In addition, this alteration is predicted to be tolerated by in silico analysis. Based on the available evidence, the clinical significance of this variant remains unclear.